The following is an entry in ClinVar:

NM_015295.3(SMCHD1):c.3639C>A (p.Asn1213Lys)

Gene: SMCHD1 (structural maintenance of chromosomes flexible hinge domain containing 1; plus strand). Cytogenetic location: 18p11.32.
Variant type: single nucleotide variant.
Coding change: c.3639C>A on transcript NM_015295.3 (MANE Select); coding-DNA position 3639, C replaced by A.
Protein change: p.Asn1213Lys; replaces asparagine 1213 with lysine.
Molecular consequence: missense variant.
Genome position (GRCh38, 1-based): chr18:2,743,766, C>A. VCF-style: chr18-2743766-C-A. GRCh37 (hg19) VCF-style: chr18-2743764-C-A.
Other names: c.3639C>A (NM_015295.2); short protein forms N1213K.
Identifiers: ClinVar variation 1011212 (VCV001011212.7), dbSNP rs780740818, ClinGen allele CA8871273.

ClinVar aggregate classification (germline): Uncertain significance. Review status: criteria provided, multiple submitters, no conflicts (2 of 4 stars). 2 submissions from 2 submitters: Uncertain significance (2). Last evaluated 2025-08-31.

Conditions:
Inborn genetic diseases. Identifiers: MedGen C0950123, MeSH D030342.
Facioscapulohumeral muscular dystrophy 2 (FSHD2). Also called: MUSCULAR DYSTROPHY, FACIOSCAPULOHUMERAL, TYPE 1B; FACIOSCAPULOHUMERAL MUSCULAR DYSTROPHY 2, DIGENIC; FSHD2, DIGENIC. Identifiers: Orphanet 269, MedGen C1834671, MONDO:0008031, OMIM 158901.

Allele frequency attached by ClinVar (database versions not stated): TOPMed 0.00008; gnomAD 0.00010 and 0.00011.
gnomAD v4.1: 25 of 1,596,360 alleles (0.0016%); highest among the groups gnomAD compares: African/African-American, 0.032%; no homozygotes.

Submissions (2):

Ambry Genetics
Classification: Uncertain significance for Inborn genetic diseases. Last evaluated: 2025-08-31. Review status: criteria provided, single submitter. Criteria: Ambry Variant Classification Scheme 2023. Collection method: clinical testing. Allele origin: germline.

Labcorp Genetics (formerly Invitae), Labcorp
Classification: Uncertain significance for Facioscapulohumeral muscular dystrophy 2. Last evaluated: 2025-07-07. Review status: criteria provided, single submitter. Criteria: Invitae Variant Classification Sherloc (09022015). Collection method: clinical testing. Allele origin: germline.
Comment: This sequence change replaces asparagine, which is neutral and polar, with lysine, which is basic and polar, at codon 1213 of the SMCHD1 protein (p.Asn1213Lys). This variant is present in population databases (rs780740818, gnomAD 0.04%). This variant has not been reported in the literature in individuals affected with SMCHD1-related conditions. ClinVar contains an entry for this variant (Variation ID: 1011212). Invitae Evidence Modeling of protein sequence and biophysical properties (such as structural, functional, and spatial information, amino acid conservation, physicochemical variation, residue mobility, and thermodynamic stability) indicates that this missense variant is not expected to disrupt SMCHD1 protein function with a negative predictive value of 80%. In summary, the available evidence is currently insufficient to determine the role of this variant in disease. Therefore, it has been classified as a Variant of Uncertain Significance.